The following is an entry in ClinVar:

ClinVar aggregate classification (germline): Uncertain significance. Review status: criteria provided, multiple submitters, no conflicts (2 of 4 stars). 2 submissions from 2 submitters: Uncertain significance (2). Last evaluated 2025-12-04.

Submissions (2):

Ambry Genetics
Classification: Uncertain significance. Last evaluated: 2025-12-04. Review status: criteria provided, single submitter. Criteria: Ambry Variant Classification Scheme 2023. Collection method: clinical testing. Allele origin: germline.

Labcorp Genetics (formerly Invitae), Labcorp
Classification: Uncertain significance. Last evaluated: 2023-08-04. Review status: criteria provided, single submitter. Criteria: Invitae Variant Classification Sherloc (09022015). Collection method: clinical testing. Allele origin: germline.
Comment: This sequence change replaces phenylalanine, which is neutral and non-polar, with leucine, which is neutral and non-polar, at codon 1219 of the ZNF687 protein (p.Phe1219Leu). This variant is not present in population databases (gnomAD no frequency). This variant has not been reported in the literature in individuals affected with ZNF687-related conditions. ClinVar contains an entry for this variant (Variation ID: 1950413). An algorithm developed to predict the effect of missense changes on protein structure and function (PolyPhen-2) suggests that this variant is likely to be disruptive. In summary, the available evidence is currently insufficient to determine the role of this variant in disease. Therefore, it has been classified as a Variant of Uncertain Significance.

NM_020832.3(ZNF687):c.3657C>G (p.Phe1219Leu)

Gene: ZNF687 (zinc finger protein 687; plus strand). Cytogenetic location: 1q21.3.
Variant type: single nucleotide variant.
Coding change: c.3657C>G on transcript NM_020832.3 (MANE Select); coding-DNA position 3657, C replaced by G.
Protein change: p.Phe1219Leu; replaces phenylalanine 1219 with leucine.
Molecular consequence: missense variant.
Genome position (GRCh38, 1-based): chr1:151,291,152, C>G. VCF-style: chr1-151291152-C-G. GRCh37 (hg19) VCF-style: chr1-151263628-C-G.
Other names: c.3657C>G (NM_020832.1); c.3657C>G, p.Phe1219Leu (NM_001304763.2, NM_001304764.2); short protein forms F1219L.
Identifiers: ClinVar variation 1950413 (VCV001950413.4), dbSNP rs2528556705, ClinGen allele CA341965853.
Genomic context (GRCh38, chr1:151,291,152, plus strand): 5'-ACTGACCTGTAAGGTCTGTGGCAAGAGCTGCGACAGCCCTCTAAACCTCAAGACCCACTT[C>G]CGCACGCATGGCATGGCGTTCATCAGGGCTCGGCAGGGGGCTGTTGGGGACAACTAGTCT-3'
Protein context (NP_065883.1, residues 1209-1229): CDSPLNLKTH[Phe1219Leu]RTHGMAFIRA